The following is an entry in ClinVar:

NM_022356.4(P3H1):c.1829G>A (p.Arg610His)

Gene: P3H1 (prolyl 3-hydroxylase 1; minus strand). Cytogenetic location: 1p34.2.
Variant type: single nucleotide variant.
Coding change: c.1829G>A on transcript NM_022356.4 (MANE Select); coding-DNA position 1829, G replaced by A.
Protein change: p.Arg610His; replaces arginine 610 with histidine.
Molecular consequence: missense variant.
Genome position (GRCh38, 1-based): chr1:42,748,209, C>T on the plus strand (G>A on the coding strand, the complement: P3H1 is on the minus strand). VCF-style: chr1-42748209-C-T. GRCh37 (hg19) VCF-style: chr1-43213880-C-T.
Other names: c.1829G>A (NM_022356.3); c.1829G>A, p.Arg610His (NM_001146289.2, NM_001243246.2); short protein forms R610H.
Identifiers: ClinVar variation 994299 (VCV000994299.9), dbSNP rs538936362, ClinGen allele CA801689.

ClinVar aggregate classification (germline): Uncertain significance. Review status: criteria provided, multiple submitters, no conflicts (2 of 4 stars). 2 submissions from 2 submitters: Uncertain significance (2). Last evaluated 2025-11-26.

Conditions:
Osteogenesis imperfecta type 8 (OI8). Identifiers: MedGen C1970458, MONDO:0012581, OMIM 610915.
Inborn genetic diseases. Identifiers: MedGen C0950123, MeSH D030342.

Allele frequency attached by ClinVar (database versions not stated): gnomAD 0.00001; 1000 Genomes Project 30x 0.00016; 1000 Genomes Project 0.00020.
gnomAD v4.1: 27 of 1,613,280 alleles (0.0017%); highest among the groups gnomAD compares: East Asian, 0.016%; no homozygotes.

Submissions (2):

Ambry Genetics
Classification: Uncertain significance for Inborn genetic diseases. Last evaluated: 2025-11-26. Review status: criteria provided, single submitter. Criteria: Ambry Variant Classification Scheme 2023. Collection method: clinical testing. Allele origin: germline.

ARUP Laboratories, Molecular Genetics and Genomics, ARUP Laboratories
Classification: Uncertain significance for Osteogenesis imperfecta type 8. Last evaluated: 2019-12-19. Review status: criteria provided, single submitter. Criteria: ARUP Molecular Germline Variant Investigation Process. Collection method: clinical testing. Allele origin: germline.
Comment: The P3H1 c.1829G>A; p.Arg610His variant (rs538936362), to our knowledge, is not reported in the medical literature or in gene-specific databases. It is observed in the general population at an overall frequency of 0.0039% (11/281952 alleles) in the Genome Aggregation Database. The arginine at codon 610 is moderately conserved, and computational algorithms (PolyPhen-2, SIFT) predict that this variant is deleterious. However, due to limited information regarding this variant, its clinical significance cannot be determined with certainty.